The following is an entry in ClinVar:

NM_005245.4(FAT1):c.3851A>G (p.Asn1284Ser)

Gene: FAT1 (FAT atypical cadherin 1; minus strand). Cytogenetic location: 4q35.2.
Variant type: single nucleotide variant.
Coding change: c.3851A>G on transcript NM_005245.4 (MANE Select); coding-DNA position 3851, A replaced by G.
Protein change: p.Asn1284Ser; replaces asparagine 1284 with serine.
Molecular consequence: missense variant.
Genome position (GRCh38, 1-based): chr4:186,636,706, T>C on the plus strand (A>G on the coding strand, the complement: FAT1 is on the minus strand). VCF-style: chr4-186636706-T-C. GRCh37 (hg19) VCF-style: chr4-187557860-T-C.
Other names: c.3851A>G (NM_005245.3); short protein forms N1284S.
Identifiers: ClinVar variation 2184447 (VCV002184447.5), dbSNP rs376759484, ClinGen allele CA3166886.

ClinVar aggregate classification (germline): Uncertain significance. Review status: criteria provided, multiple submitters, no conflicts (2 of 4 stars). 2 submissions from 2 submitters: Uncertain significance (2). Last evaluated 2025-04-17.

Conditions:
Inborn genetic diseases. Identifiers: MedGen C0950123, MeSH D030342.

Allele frequency attached by ClinVar (database versions not stated): gnomAD 0.00005; ESP Exome Variant Server 0.00008; gnomAD exomes 0.00010; ExAC 0.00012.
gnomAD v4.1: 148 of 1,613,806 alleles (0.0092%); highest among the groups gnomAD compares: South Asian, 0.079%; 1 homozygote.

Submissions (2):

Labcorp Genetics (formerly Invitae), Labcorp
Classification: Uncertain significance. Last evaluated: 2025-04-17. Review status: criteria provided, single submitter. Criteria: Invitae Variant Classification Sherloc (09022015). Collection method: clinical testing. Allele origin: germline.
Comment: This sequence change replaces asparagine, which is neutral and polar, with serine, which is neutral and polar, at codon 1284 of the FAT1 protein (p.Asn1284Ser). This variant is present in population databases (rs376759484, gnomAD 0.08%). This variant has not been reported in the literature in individuals affected with FAT1-related conditions. ClinVar contains an entry for this variant (Variation ID: 2184447). An algorithm developed to predict the effect of missense changes on protein structure and function (PolyPhen-2) suggests that this variant is likely to be disruptive. In summary, the available evidence is currently insufficient to determine the role of this variant in disease. Therefore, it has been classified as a Variant of Uncertain Significance.

Ambry Genetics
Classification: Uncertain significance for Inborn genetic diseases. Last evaluated: 2023-10-25. Review status: criteria provided, single submitter. Criteria: Ambry Variant Classification Scheme 2023. Collection method: clinical testing. Allele origin: germline.